The following is an entry in ClinVar:

ClinVar aggregate classification (germline): Benign (1 of 4 stars; one submission).

Conditions:
Aromatase deficiency. Also called: Increased aromatase activity; PSEUDOHERMAPHRODITISM, FEMALE, DUE TO PLACENTAL AROMATASE DEFICIENCY. Identifiers: Orphanet 91, MedGen C1960539, MONDO:0013301, OMIM 613546.

Allele frequency attached by ClinVar (database versions not stated): gnomAD 0.00019 and 0.00044; TOPMed 0.00027; gnomAD exomes 0.00141; 1000 Genomes Project 30x 0.00281; 1000 Genomes Project 0.00359.
gnomAD v4.1: 967 of 821,872 alleles (0.12%); highest among the groups gnomAD compares: East Asian, 2.3%; 11 homozygotes.

Submission:

Illumina Laboratory Services, Illumina
Classification: Benign for Aromatase deficiency. Last evaluated: 2018-01-13. Review status: criteria provided, single submitter. Criteria: ICSL Variant Classification Criteria 13 December 2019. Collection method: clinical testing. Allele origin: germline.
Comment: This variant was observed in the ICSL laboratory as part of a predisposition screen in an ostensibly healthy population. It had not been previously curated by ICSL or reported in the Human Gene Mutation Database (HGMD: prior to June 1st, 2018), and was therefore a candidate for classification through an automated scoring system. Utilizing variant allele frequency, disease prevalence and penetrance estimates, and inheritance mode, an automated score was calculated to assess if this variant is too frequent to cause the disease. Based on the score and internal cut-off values, a variant classified as benign is not then subjected to further curation. The score for this variant resulted in a classification of benign for this disease.

NM_000103.4(CYP19A1):c.*108A>G

Genes: MIR4713HG (MIR4713 host gene; plus strand), PIRC66 (piwi-interacting RNA cluster 66; plus strand), CYP19A1 (cytochrome P450 family 19 subfamily A member 1; minus strand). Cytogenetic location: 15q21.2.
Variant type: single nucleotide variant.
Coding change: c.*108A>G on transcript NM_000103.4 (MANE Select); 108 bases downstream of the stop codon, A replaced by G.
Molecular consequence: 3 prime UTR variant.
Genome position (GRCh38, 1-based): chr15:51,210,700, T>C on the plus strand (A>G on the coding strand, the complement: CYP19A1 is on the minus strand). VCF-style: chr15-51210700-T-C. GRCh37 (hg19) VCF-style: chr15-51502897-T-C.
Other names: c.*108A>G (NM_001347248.1, NM_001347249.2, NM_001347250.2 and 7 more transcripts).
Identifiers: ClinVar variation 316468 (VCV000316468.5), dbSNP rs28757207, ClinGen allele CA10642147.